The following is an entry in ClinVar:

ClinVar aggregate classification (germline): Conflicting classifications of pathogenicity. Review status: criteria provided, conflicting classifications (1 of 4 stars). 5 submissions from 3 submitters: Uncertain significance (1); Benign (1); Likely benign (3). Last evaluated 2026-01-28.

Conditions:
Cone-rod dystrophy 13 (CORD13). Identifiers: Orphanet 1872, MedGen C2750720, MONDO:0011987, OMIM 608194.
Leber congenital amaurosis 6 (LCA6). Identifiers: Orphanet 65, MedGen C1854260, MONDO:0013446, OMIM 613826.

Allele frequency attached by ClinVar (database versions not stated): gnomAD 0.00001 and 0.00034; TOPMed 0.00009; gnomAD exomes 0.00064 and 0.00128; 1000 Genomes Project 30x 0.00125; 1000 Genomes Project 0.00160; ExAC 0.00310.
gnomAD v4.1: 970 of 1,580,584 alleles (0.061%); highest among the groups gnomAD compares: South Asian, 1.1%; 18 homozygotes.

Submissions (5):

Labcorp Genetics (formerly Invitae), Labcorp
Classification: Benign for Leber congenital amaurosis 6; Cone-rod dystrophy 13. Last evaluated: 2026-01-28. Review status: criteria provided, single submitter. Criteria: Invitae Variant Classification Sherloc (09022015). Collection method: clinical testing. Allele origin: germline.

Genome-Nilou Lab
Classification: Likely benign for Leber congenital amaurosis 6. Last evaluated: 2021-11-07. Review status: criteria provided, single submitter. Criteria: ACMG Guidelines, 2015. Collection method: clinical testing. Allele origin: germline. Affected: no.

Genome-Nilou Lab
Classification: Likely benign for Cone-rod dystrophy 13. Last evaluated: 2021-11-07. Review status: criteria provided, single submitter. Criteria: ACMG Guidelines, 2015. Collection method: clinical testing. Allele origin: germline. Affected: no.

Illumina Laboratory Services, Illumina
Classification: Likely benign for Cone-rod dystrophy 13. Last evaluated: 2018-01-12. Review status: criteria provided, single submitter. Criteria: ICSL Variant Classification Criteria 13 December 2019. Collection method: clinical testing. Allele origin: germline.
Comment: This variant was observed in the ICSL laboratory as part of a predisposition screen in an ostensibly healthy population. It had not been previously curated by ICSL or reported in the Human Gene Mutation Database (HGMD: prior to June 1st, 2018), and was therefore a candidate for classification through an automated scoring system. Utilizing variant allele frequency, disease prevalence and penetrance estimates, and inheritance mode, an automated score was calculated to assess if this variant is too frequent to cause the disease. Based on the score and internal cut-off values, a variant classified as likely benign is not then subjected to further curation. The score for this variant resulted in a classification of likely benign for this disease.

Illumina Laboratory Services, Illumina
Classification: Uncertain significance for Leber congenital amaurosis 6. Last evaluated: 2018-01-12. Review status: criteria provided, single submitter. Criteria: ICSL Variant Classification Criteria 13 December 2019. Collection method: clinical testing. Allele origin: germline.

NM_020366.4(RPGRIP1):c.3239-14C>T

Gene: RPGRIP1 (RPGR interacting protein 1; plus strand). Cytogenetic location: 14q11.2.
Variant type: single nucleotide variant.
Coding change: c.3239-14C>T on transcript NM_020366.4 (MANE Select); 14 bases into the intron before coding-DNA position 3239, C replaced by T.
Molecular consequence: intron variant.
Genome position (GRCh38, 1-based): chr14:21,334,591, C>T. VCF-style: chr14-21334591-C-T. GRCh37 (hg19) VCF-style: chr14-21802750-C-T.
Other names: c.2165-14C>T (NM_001377948.1); c.1325-14C>T (NM_001377949.1); c.1217-14C>T (NM_001377523.1); c.1214-11C>T (NM_001377950.1); c.719-11C>T (NM_001377951.1).
Identifiers: ClinVar variation 880600 (VCV000880600.15), dbSNP rs542859849, ClinGen allele CA7089465.